The following is an entry in ClinVar:

ClinVar aggregate classification (germline): Benign/Likely benign. Review status: criteria provided, multiple submitters, no conflicts (2 of 4 stars). 5 submissions from 5 submitters: Benign (1); Likely benign (4). Last evaluated 2025-09-17.

Conditions:
Familial cancer of breast. Also called: BREAST CANCER, FAMILIAL; Hereditary breast cancer; hereditary breast carcinoma. Identifiers: Orphanet 227535, MedGen C0346153, MONDO:0016419, OMIM 114480. Disease mechanism: loss of function.
Hereditary cancer-predisposing syndrome. Also called: Tumor predisposition; Neoplastic Syndromes, Hereditary; Hereditary Cancer Syndrome; Hereditary neoplastic syndrome. Identifiers: Orphanet 140162, MedGen C0027672, MeSH D009386, MONDO:0015356.
Ataxia-telangiectasia syndrome (AT). Also called: Cerebello-oculocutaneous telangiectasia; Immunodeficiency with ataxia telangiectasia; Ataxia-telangiectasia, complementation group D; AT, COMPLEMENTATION GROUP C; Ataxia-telangiectasia; Ataxia telangiectasia (A-T). Identifiers: Orphanet 100, MedGen C0004135, MONDO:0008840, OMIM 208900.

Allele frequency attached by ClinVar (database versions not stated): gnomAD exomes below 0.00001; TOPMed below 0.00001; gnomAD 0.00001.
gnomAD v4.1: 4 of 1,612,800 alleles (0.00025%); highest among the groups gnomAD compares: Non-Finnish European, 0.00034%; no homozygotes.

Submissions (5):

Labcorp Genetics (formerly Invitae), Labcorp
Classification: Likely benign for Ataxia-telangiectasia syndrome. Last evaluated: 2025-09-17. Review status: criteria provided, single submitter. Criteria: Invitae Variant Classification Sherloc (09022015). Collection method: clinical testing. Allele origin: germline.

Blueprint Genetics
Classification: Likely benign. Last evaluated: 2024-11-01. Review status: criteria provided, single submitter. Criteria: ACMG Guidelines, 2015. Collection method: clinical testing. Allele origin: germline.

Myriad Genetics, Inc.
Classification: Benign for Familial cancer of breast. Last evaluated: 2024-05-16. Review status: criteria provided, single submitter. Criteria: Myriad Autosomal Dominant, Autosomal Recessive and X-Linked Classification Criteria (2023). Collection method: clinical testing. Allele origin: unknown.
Comment: This variant is considered benign. This variant is a silent/synonymous amino acid change and it is not expected to impact splicing.

Ambry Genetics
Classification: Likely benign for Hereditary cancer-predisposing syndrome. Last evaluated: 2019-12-18. Review status: criteria provided, single submitter. Criteria: Ambry Variant Classification Scheme 2023. Collection method: clinical testing. Allele origin: germline.

Color Diagnostics, LLC DBA Color Health
Classification: Likely benign for Hereditary cancer-predisposing syndrome. Last evaluated: 2018-07-09. Review status: criteria provided, single submitter. Criteria: ACMG Guidelines, 2015. Collection method: clinical testing. Allele origin: germline.

NM_000051.4(ATM):c.4023A>T (p.Pro1341=)

Gene: ATM (ATM serine/threonine kinase; plus strand). Cytogenetic location: 11q22.3.
Variant type: single nucleotide variant.
Coding change: c.4023A>T on transcript NM_000051.4 (MANE Select); coding-DNA position 4023, A replaced by T.
Protein change: p.Pro1341=; no amino-acid change (proline 1341 retained).
Molecular consequence: synonymous variant.
Genome position (GRCh38, 1-based): chr11:108,287,629, A>T. VCF-style: chr11-108287629-A-T. GRCh37 (hg19) VCF-style: chr11-108158356-A-T.
Other names: c.4023A>T, p.Pro1341= (NM_001351834.2).
Identifiers: ClinVar variation 629862 (VCV000629862.19), dbSNP rs1020202983, ClinGen allele CA228371411.